The following is an entry in ClinVar:

ClinVar aggregate classification (germline): Uncertain significance (1 of 4 stars; one submission).

gnomAD v4.1: 4 of 1,612,732 alleles (0.00025%); highest among the groups gnomAD compares: Non-Finnish European, 0.00034%; no homozygotes.

Submission:

Labcorp Genetics (formerly Invitae), Labcorp
Classification: Uncertain significance. Last evaluated: 2025-08-21. Review status: criteria provided, single submitter. Criteria: Invitae Variant Classification Sherloc (09022015). Collection method: clinical testing. Allele origin: germline.
Comment: This sequence change replaces leucine, which is neutral and non-polar, with phenylalanine, which is neutral and non-polar, at codon 236 of the GUCY2C protein (p.Leu236Phe). This variant is not present in population databases (gnomAD no frequency). This variant has not been reported in the literature in individuals affected with GUCY2C-related conditions. Invitae Evidence Modeling of protein sequence and biophysical properties (such as structural, functional, and spatial information, amino acid conservation, physicochemical variation, residue mobility, and thermodynamic stability) indicates that this missense variant is not expected to disrupt GUCY2C protein function with a negative predictive value of 80%. In summary, the available evidence is currently insufficient to determine the role of this variant in disease. Therefore, it has been classified as a Variant of Uncertain Significance.

NM_004963.4(GUCY2C):c.708A>T (p.Leu236Phe)

Genes: GUCY2C (guanylate cyclase 2C; minus strand), GUCY2C-AS1 (GUCY2C antisense RNA 1; plus strand). Cytogenetic location: 12p12.3.
Variant type: single nucleotide variant.
Coding change: c.708A>T on transcript NM_004963.4 (MANE Select); coding-DNA position 708, A replaced by T.
Protein change: p.Leu236Phe; replaces leucine 236 with phenylalanine.
Molecular consequence: missense variant.
Genome position (GRCh38, 1-based): chr12:14,681,381, T>A on the plus strand (A>T on the coding strand, the complement: GUCY2C is on the minus strand). VCF-style: chr12-14681381-T-A. GRCh37 (hg19) VCF-style: chr12-14834315-T-A.
Other names: short protein forms L236F.
Identifiers: ClinVar variation 4743937 (VCV004743937.1).
Genomic context (GRCh38, chr12:14,681,381, plus strand): 5'-GTTAGCAAAAAACAATTATCTTCATGTCTTCTTACCATTGCTTTTCCTGTTGTGGTCCAT[T>A]AAGATATCCTGAAACTCCTTATCTTGTCTTAACACCACCTTAAAGCCGAGTTCGTGGGAG-3'
Protein context (NP_004954.2, residues 226-246): LRQDKEFQDI[Leu236Phe]MDHNRKSNVI